The following is an entry in ClinVar:

NM_014738.6(TMEM94):c.867+5G>A

Gene: TMEM94 (transmembrane protein 94; plus strand). Cytogenetic location: 17q25.1.
Variant type: single nucleotide variant.
Coding change: c.867+5G>A on transcript NM_014738.6 (MANE Select); 5 bases into the intron after coding-DNA position 867, G replaced by A.
Molecular consequence: intron variant.
Genome position (GRCh38, 1-based): chr17:75,489,373, G>A. VCF-style: chr17-75489373-G-A. GRCh37 (hg19) VCF-style: chr17-73485454-G-A.
Other names: c.867+5G>A (NM_001438841.1, NM_001438842.1, NM_001321149.2 and 5 more transcripts); c.897+5G>A (NM_001438843.1, NM_001321148.2, NM_001351203.2 and 1 more transcripts).
Identifiers: ClinVar variation 4822541 (VCV004822541.4).
Genomic context (GRCh38, chr17:75,489,373, plus strand): 5'-ATGAGCGGTTCACAGTGCAGTCGGTGATGCTACACTATGCTGTGCCCGTGGTCCTGGTGC[G>A]TGTGGCGGGGCTGTGCGGGGCTGCATGGGGCAGAGGAGAGGGCTGGACACGGGGGGGTCT-3'

ClinVar aggregate classification (germline): Uncertain significance (1 of 4 stars; one submission).

gnomAD v4.1: 14 of 1,613,504 alleles (0.00087%); highest among the groups gnomAD compares: African/African-American, 0.004%; no homozygotes.

Submission:

CeGaT Center for Human Genetics Tuebingen
Classification: Uncertain significance. Last evaluated: 2026-02-01. Review status: criteria provided, single submitter. Criteria: CeGaT Center For Human Genetics Tuebingen Variant Classification Criteria Version 2. Collection method: clinical testing. Allele origin: germline. Affected: yes. Observed: 1 variant allele.
Comment: TMEM94: PM2:Supporting, PP3